The following is an entry in ClinVar:

ClinVar aggregate classification (germline): Likely benign. Review status: criteria provided, multiple submitters, no conflicts (2 of 4 stars). 3 submissions from 3 submitters: Likely benign (3). Last evaluated 2024-04-15.

Conditions:
Hereditary cancer-predisposing syndrome. Also called: Neoplastic Syndromes, Hereditary; Tumor predisposition; Hereditary neoplastic syndrome; Hereditary Cancer Syndrome. Identifiers: Orphanet 140162, MedGen C0027672, MeSH D009386, MONDO:0015356.

Allele frequency attached by ClinVar (database versions not stated): gnomAD 0.00001.
gnomAD v4.1: 1 of 1,612,272 alleles (0.000062%); no homozygotes.

Submissions (3):

Labcorp Genetics (formerly Invitae), Labcorp
Classification: Likely benign. Last evaluated: 2024-04-15. Review status: criteria provided, single submitter. Criteria: Invitae Variant Classification Sherloc (09022015). Collection method: clinical testing. Allele origin: germline.

Ambry Genetics
Classification: Likely benign for Hereditary cancer-predisposing syndrome. Last evaluated: 2023-11-08. Review status: criteria provided, single submitter. Criteria: Ambry Variant Classification Scheme 2023. Collection method: clinical testing. Allele origin: germline.

CeGaT Center for Human Genetics Tuebingen
Classification: Likely benign. Last evaluated: 2022-08-01. Review status: criteria provided, single submitter. Criteria: CeGaT Center For Human Genetics Tuebingen Variant Classification Criteria Version 2. Collection method: clinical testing. Allele origin: germline. Affected: yes. Observed: 1 variant allele.
Comment: POLE: BP4, BP7

NM_006231.4(POLE):c.5805T>C (p.Cys1935=)

Gene: POLE (DNA polymerase epsilon, catalytic subunit; minus strand). Cytogenetic location: 12q24.33.
Variant type: single nucleotide variant.
Coding change: c.5805T>C on transcript NM_006231.4 (MANE Select); coding-DNA position 5805, T replaced by C.
Protein change: p.Cys1935=; no amino-acid change (cysteine 1935 retained).
Molecular consequence: synonymous variant.
Genome position (GRCh38, 1-based): chr12:132,635,898, A>G on the plus strand (T>C on the coding strand, the complement: POLE is on the minus strand). VCF-style: chr12-132635898-A-G. GRCh37 (hg19) VCF-style: chr12-133212484-A-G.
Other names: c.5805T>C (NM_006231.2).
Identifiers: ClinVar variation 698777 (VCV000698777.34), dbSNP rs1593715281, ClinGen allele CA482726069.
Genomic context (GRCh38, chr12:132,635,898, plus strand): 5'-GGAATGAACGCGACCCCCAAAGCTGGCTCGGGTGCCACACTGCAGCTCGCTTACCAGTCC[A>G]CAGTGAATACGAGATGAAACTTTTCCTTTGATTCCGCCATAGTTAGATGGATCCATCCAG-3'
Protein context (NP_006222.2, residues 1925-1945): IKGKVSSRIH[Cys1935=]GLQDSQKAGG